The following is an entry in ClinVar:

NM_004991.4(MECOM):c.494G>T (p.Cys165Phe)

Gene: MECOM (MDS1 and EVI1 complex locus; minus strand). Cytogenetic location: 3q26.2.
Variant type: single nucleotide variant.
Coding change: c.494G>T on transcript NM_004991.4 (MANE Select); coding-DNA position 494, G replaced by T.
Protein change: p.Cys165Phe; replaces cysteine 165 with phenylalanine.
Molecular consequence: missense variant. On other transcripts: 5 prime UTR variant (12).
Genome position (GRCh38, 1-based): chr3:169,143,714, C>A on the plus strand (G>T on the coding strand, the complement: MECOM is on the minus strand). VCF-style: chr3-169143714-C-A. GRCh37 (hg19) VCF-style: chr3-168861502-C-A.
Other names: c.122G>T, p.Cys41Phe (NM_001105077.4); c.-71G>T (NM_001105078.4, NM_001163999.2, NM_001164000.2 and 9 more transcripts); c.494G>T, p.Cys165Phe (NM_001366466.2, NM_001366473.2); short protein forms C41F, C165F.
Identifiers: ClinVar variation 4842761 (VCV004842761.1).

ClinVar aggregate classification (germline): Uncertain significance (1 of 4 stars; one submission).

Conditions:
Inborn genetic diseases. Identifiers: MedGen C0950123, MeSH D030342.

Submission:

Ambry Genetics
Classification: Uncertain significance for Inborn genetic diseases. Last evaluated: 2025-12-27. Review status: criteria provided, single submitter. Criteria: Ambry Variant Classification Scheme 2023. Collection method: clinical testing. Allele origin: germline.
Comment: The p.C165F variant (also known as c.494G>T), located in coding exon 3 of the MECOM gene, results from a G to T substitution at nucleotide position 494. The cysteine at codon 165 is replaced by phenylalanine, an amino acid with highly dissimilar properties. This amino acid position is conserved. In addition, the in silico prediction for this alteration is inconclusive. Based on the available evidence, the clinical significance of this variant remains unclear.